The following is an entry in ClinVar:

NM_020964.3(EPG5):c.2444C>T (p.Thr815Ile)

Gene: EPG5 (ectopic P-granules 5 autophagy tethering factor; minus strand). Cytogenetic location: 18q21.1.
Variant type: single nucleotide variant.
Coding change: c.2444C>T on transcript NM_020964.3 (MANE Select); coding-DNA position 2444, C replaced by T.
Protein change: p.Thr815Ile; replaces threonine 815 with isoleucine.
Molecular consequence: missense variant.
Genome position (GRCh38, 1-based): chr18:45,928,978, G>A on the plus strand (C>T on the coding strand, the complement: EPG5 is on the minus strand). VCF-style: chr18-45928978-G-A. GRCh37 (hg19) VCF-style: chr18-43508944-G-A.
Other names: short protein forms T815I.
Identifiers: ClinVar variation 953361 (VCV000953361.10), dbSNP rs2050338855, ClinGen allele CA402346721.

ClinVar aggregate classification (germline): Uncertain significance (1 of 4 stars; one submission).

Conditions:
Vici syndrome (VICIS). Identifiers: Orphanet 1493, MedGen C1855772, MONDO:0009452, OMIM 242840.

Submission:

Labcorp Genetics (formerly Invitae), Labcorp
Classification: Uncertain significance for Vici syndrome. Last evaluated: 2022-08-31. Review status: criteria provided, single submitter. Criteria: Invitae Variant Classification Sherloc (09022015). Collection method: clinical testing. Allele origin: germline.
Comment: This variant is not present in population databases (gnomAD no frequency). This sequence change replaces threonine, which is neutral and polar, with isoleucine, which is neutral and non-polar, at codon 815 of the EPG5 protein (p.Thr815Ile). This variant has not been reported in the literature in individuals affected with EPG5-related conditions. In summary, the available evidence is currently insufficient to determine the role of this variant in disease. Therefore, it has been classified as a Variant of Uncertain Significance. Algorithms developed to predict the effect of missense changes on protein structure and function are either unavailable or do not agree on the potential impact of this missense change (SIFT: "Tolerated"; PolyPhen-2: "Probably Damaging"; Align-GVGD: "Class C0"). ClinVar contains an entry for this variant (Variation ID: 953361).